The following is an entry in ClinVar:

ClinVar aggregate classification (germline): Uncertain significance (1 of 4 stars; one submission).

Conditions:
Primary familial hypertrophic cardiomyopathy (HCM). Identifiers: Orphanet 99739, MedGen C0949658, MeSH D024741, MONDO:0024573. Inheritance: Various modes of inheritance.
Dilated cardiomyopathy 1AA (CMD1AA). Also called: CARDIOMYOPATHY, DILATED, 1AA, WITH OR WITHOUT LEFT VENTRICULAR NONCOMPACTION; CARDIOMYOPATHY, FAMILIAL HYPERTROPHIC, 23, WITH OR WITHOUT LEFT VENTRICULAR NONCOMPACTION; Cardiomyopathy, dilated, 1AA, with or without LVNC. Identifiers: Orphanet 154, MedGen C2677338, MONDO:0012808, OMIM 612158.

Allele frequency attached by ClinVar (database versions not stated): gnomAD exomes below 0.00001.
gnomAD v4.1: 1 of 1,614,168 alleles (0.000062%); highest among the groups gnomAD compares: Admixed American, 0.0017%; no homozygotes.

Submission:

Labcorp Genetics (formerly Invitae), Labcorp
Classification: Uncertain significance for Primary familial hypertrophic cardiomyopathy; Dilated cardiomyopathy 1AA. Last evaluated: 2024-01-17. Review status: criteria provided, single submitter. Criteria: Invitae Variant Classification Sherloc (09022015). Collection method: clinical testing. Allele origin: germline.
Comment: This sequence change replaces phenylalanine, which is neutral and non-polar, with leucine, which is neutral and non-polar, at codon 94 of the ACTN2 protein (p.Phe94Leu). This variant is not present in population databases (gnomAD no frequency). This variant has not been reported in the literature in individuals affected with ACTN2-related conditions. Advanced modeling of protein sequence and biophysical properties (such as structural, functional, and spatial information, amino acid conservation, physicochemical variation, residue mobility, and thermodynamic stability) performed at Invitae indicates that this missense variant is not expected to disrupt ACTN2 protein function with a negative predictive value of 80%. In summary, the available evidence is currently insufficient to determine the role of this variant in disease. Therefore, it has been classified as a Variant of Uncertain Significance.

NM_001103.4(ACTN2):c.282C>A (p.Phe94Leu)

Gene: ACTN2 (actinin alpha 2; plus strand). Cytogenetic location: 1q43.
Variant type: single nucleotide variant.
Coding change: c.282C>A on transcript NM_001103.4 (MANE Select); coding-DNA position 282, C replaced by A.
Protein change: p.Phe94Leu; replaces phenylalanine 94 with leucine.
Molecular consequence: missense variant. On other transcripts: non-coding transcript variant (1).
Genome position (GRCh38, 1-based): chr1:236,718,934, C>A. VCF-style: chr1-236718934-C-A. GRCh37 (hg19) VCF-style: chr1-236882234-C-A.
Other names: c.282C>A, p.Phe94Leu (NM_001278343.2); c.-540C>A (NM_001278344.2); c.-665C>A (NM_001412150.1); short protein forms F94L.
Identifiers: ClinVar variation 2935314 (VCV002935314.3), dbSNP rs963214658, ClinGen allele CA345373527.